The following is an entry in ClinVar:

ClinVar aggregate classification (germline): Uncertain significance (1 of 4 stars; one submission).

Allele frequency attached by ClinVar (database versions not stated): gnomAD 0.00001; TOPMed 0.00001; ExAC 0.00002; gnomAD exomes 0.00002.
gnomAD v4.1: 26 of 1,613,692 alleles (0.0016%); highest among the groups gnomAD compares: Admixed American, 0.0067%; no homozygotes.

Submission:

Mayo Clinic Laboratories, Mayo Clinic
Classification: Uncertain significance. Last evaluated: 2021-08-02. Review status: criteria provided, single submitter. Criteria: ACMG Guidelines, 2015. Collection method: clinical testing. Allele origin: germline. Observed: 1 variant allele.
Comment: PM2_supporting

NM_198999.3(SLC26A5):c.2065C>T (p.Arg689Trp)

Gene: SLC26A5 (solute carrier family 26 member 5; minus strand). Cytogenetic location: 7q22.1.
Variant type: single nucleotide variant.
Coding change: c.2065C>T on transcript NM_198999.3 (MANE Select); coding-DNA position 2065, C replaced by T.
Protein change: p.Arg689Trp; replaces arginine 689 with tryptophan.
Molecular consequence: missense variant. On other transcripts: non-coding transcript variant (4), intron variant (4).
Genome position (GRCh38, 1-based): chr7:103,374,569, G>A on the plus strand (C>T on the coding strand, the complement: SLC26A5 is on the minus strand). VCF-style: chr7-103374569-G-A. GRCh37 (hg19) VCF-style: chr7-103015016-G-A.
Other names: p.Arg689Trp; c.1969C>T, p.Arg657Trp (NM_001167962.2); c.972-21643C>T (NM_206885.3); c.1945+2239C>T (NM_001321787.2); c.1514+14439C>T (NM_206884.3); c.2041+2239C>T (NM_206883.3); short protein forms R657W, R689W.
Identifiers: ClinVar variation 2682987 (VCV002682987.1), dbSNP rs776378925, ClinGen allele CA4419282.
Genomic context (GRCh38, chr7:103,374,569, plus strand): 5'-CATCATGAATGCTGTGGAACAGCAGCTCCCATAGGGCAGGATTTTCAAAAAATCTATTCC[G>A]AGTGAGGTCATTCACAACTTGTGCTATTAAAAGAAGAAAAGAAAATTAGTCCACACTCTG-3'
Protein context (NP_945350.1, residues 679-699): CSAQVVNDLT[Arg689Trp]NRFFENPALW